The following is an entry in ClinVar:

ClinVar aggregate classification (germline): Uncertain significance (1 of 4 stars; one submission).

Submission:

Labcorp Genetics (formerly Invitae), Labcorp
Classification: Uncertain significance. Last evaluated: 2022-07-14. Review status: criteria provided, single submitter. Criteria: Invitae Variant Classification Sherloc (09022015). Collection method: clinical testing. Allele origin: germline.
Comment: In summary, the available evidence is currently insufficient to determine the role of this variant in disease. Therefore, it has been classified as a Variant of Uncertain Significance. Experimental studies and prediction algorithms are not available or were not evaluated, and the functional significance of this variant is currently unknown. This variant has not been reported in the literature in individuals affected with MSH3-related conditions. This variant is a gross deletion of the genomic region encompassing exon(s) 24 of the MSH3 gene, which includes the termination codon. This deletion extends beyond the assayed region for this gene and therefore may encompass additional genes. While this deletion is not anticipated to lead to nonsense mediated decay, it is expected to alter mRNA translation or result in a truncated protein product.

NC_000005.9:g.(?_80171560)_(80171681_?)del

Gene: MSH3 (mutS homolog 3; plus strand). Cytogenetic location: 5q14.1.
Variant type: Deletion.
Identifiers: ClinVar variation 2424435 (VCV002424435.4).